The following is an entry in ClinVar:

NM_002180.3(IGHMBP2):c.912+3A>G

Gene: IGHMBP2 (immunoglobulin mu DNA binding protein 2; plus strand). Cytogenetic location: 11q13.3.
Variant type: single nucleotide variant.
Coding change: c.912+3A>G on transcript NM_002180.3 (MANE Select); 3 bases into the intron after coding-DNA position 912, A replaced by G.
Molecular consequence: intron variant.
Genome position (GRCh38, 1-based): chr11:68,915,026, A>G. VCF-style: chr11-68915026-A-G. GRCh37 (hg19) VCF-style: chr11-68682494-A-G.
Identifiers: ClinVar variation 452939 (VCV000452939.2), dbSNP rs1555244128, ClinGen allele CA658658078.

ClinVar aggregate classification (germline): Uncertain significance (1 of 4 stars; one submission).

Allele frequency attached by ClinVar (database versions not stated): gnomAD exomes below 0.00001.
gnomAD v4.1: 1 of 1,613,256 alleles (0.000062%); highest among the groups gnomAD compares: Non-Finnish European, 0.000085%; no homozygotes.

Submission:

GeneDx
Classification: Uncertain significance. Last evaluated: 2017-10-30. Review status: criteria provided, single submitter. Criteria: GeneDx Variant Classification (06012015). Collection method: clinical testing. Allele origin: germline. Affected: yes.
Comment: The c.912+3A>G variant in the IGHMBP2 gene has not been reported previously as a pathogenic variant nor as abenign variant, to our knowledge. In silico analyses, including splice predictors and evolutionary conservation, are inconsistent in their assessment as to whether or not this variant is damaging. The c.912+3A>G variant is not observed in large population cohorts (Lek et al., 2016). We interpret c.912+3A>G as a variant of uncertain significance.